The following is an entry in ClinVar:

ClinVar aggregate classification (germline): Uncertain significance. Review status: criteria provided, multiple submitters, no conflicts (2 of 4 stars). 2 submissions from 2 submitters: Uncertain significance (2). Last evaluated 2025-06-30.

Conditions:
Myopathy, centronuclear, 2 (CNM2). Also called: MYOTUBULAR MYOPATHY, AUTOSOMAL RECESSIVE. Identifiers: Orphanet 169186, MedGen CN031787, MONDO:0009709, OMIM 255200.

Allele frequency attached by ClinVar (database versions not stated): gnomAD 0.00001; gnomAD exomes 0.00002 and below 0.00001; TOPMed 0.00003; ExAC 0.00001.
gnomAD v4.1: 10 of 1,612,348 alleles (0.00062%); highest among the groups gnomAD compares: Middle Eastern, 0.016%; no homozygotes.

Submissions (2):

Labcorp Genetics (formerly Invitae), Labcorp
Classification: Uncertain significance for Myopathy, centronuclear, 2. Last evaluated: 2025-06-30. Review status: criteria provided, single submitter. Criteria: Invitae Variant Classification Sherloc (09022015). Collection method: clinical testing. Allele origin: germline.
Comment: This sequence change replaces serine, which is neutral and polar, with leucine, which is neutral and non-polar, at codon 176 of the BIN1 protein (p.Ser176Leu). This variant is present in population databases (rs776075897, gnomAD 0.01%). This variant has not been reported in the literature in individuals affected with BIN1-related conditions. ClinVar contains an entry for this variant (Variation ID: 836768). An algorithm developed to predict the effect of missense changes on protein structure and function (PolyPhen-2) suggests that this variant is likely to be disruptive. In summary, the available evidence is currently insufficient to determine the role of this variant in disease. Therefore, it has been classified as a Variant of Uncertain Significance.

Baylor Genetics
Classification: Uncertain significance for Myopathy, centronuclear, 2. Last evaluated: 2019-02-21. Review status: criteria provided, single submitter. Criteria: ACMG Guidelines, 2015. Collection method: clinical testing. Allele origin: unknown. Affected: yes.
Comment: This variant was determined to be of uncertain significance according to ACMG Guidelines, 2015 [PMID:25741868].

NM_139343.3(BIN1):c.527C>T (p.Ser176Leu)

Gene: BIN1 (bridging integrator 1; minus strand). Cytogenetic location: 2q14.3.
Variant type: single nucleotide variant.
Coding change: c.527C>T on transcript NM_139343.3 (MANE Select); coding-DNA position 527, C replaced by T.
Protein change: p.Ser176Leu; replaces serine 176 with leucine.
Molecular consequence: missense variant. On other transcripts: intron variant (10).
Genome position (GRCh38, 1-based): chr2:127,068,248, G>A on the plus strand (C>T on the coding strand, the complement: BIN1 is on the minus strand). VCF-style: chr2-127068248-G-A. GRCh37 (hg19) VCF-style: chr2-127825824-G-A.
Other names: c.527C>T, p.Ser176Leu (NM_001320633.2, NM_001320640.2, NM_139344.3 and 1 more transcripts); c.446C>T, p.Ser149Leu (NM_001320642.1); c.447+676C>T (NM_001320634.1); c.519+676C>T (NM_139351.3, NM_139350.3, NM_139349.3 and 6 more transcripts); short protein forms S149L, S176L.
Identifiers: ClinVar variation 836768 (VCV000836768.7), dbSNP rs776075897, ClinGen allele CA1857441.